The following is an entry in ClinVar:

NM_004329.3(BMPR1A):c.258A>G (p.Ile86Met)

Gene: BMPR1A (bone morphogenetic protein receptor type 1A; plus strand). Cytogenetic location: 10q23.2.
Variant type: single nucleotide variant.
Coding change: c.258A>G on transcript NM_004329.3 (MANE Select); coding-DNA position 258, A replaced by G.
Protein change: p.Ile86Met; replaces isoleucine 86 with methionine.
Molecular consequence: missense variant.
Genome position (GRCh38, 1-based): chr10:86,892,154, A>G. VCF-style: chr10-86892154-A-G. GRCh37 (hg19) VCF-style: chr10-88651911-A-G.
Other names: c.258A>G, p.Ile86Met (NM_001406559.1, NM_001406560.1, NM_001406561.1 and 23 more transcripts); c.174A>G, p.Ile58Met (NM_001406584.1, NM_001406585.1, NM_001406586.1 and 2 more transcripts); short protein forms I58M, I86M.
Identifiers: ClinVar variation 1793472 (VCV001793472.3), dbSNP rs2133407994, ClinGen allele CA377448024.
Genomic context (GRCh38, chr10:86,892,154, plus strand): 5'-TGTTTTGTTTTGTTTTGTTTTTTTCTGTTTTAGAACTAATGGACATTGCTTTGCCATCAT[A>G]GAAGAAGATGACCAGGGAGAAACCACATTAGCTTCAGGGTGTATGAAATATGAAGGATCT-3'
Protein context (NP_004320.2, residues 76-96): CITNGHCFAI[Ile86Met]EEDDQGETTL

ClinVar aggregate classification (germline): Uncertain significance (1 of 4 stars; one submission).

Conditions:
Hereditary cancer-predisposing syndrome. Also called: Tumor predisposition; Hereditary Cancer Syndrome; Neoplastic Syndromes, Hereditary; Hereditary neoplastic syndrome. Identifiers: Orphanet 140162, MedGen C0027672, MeSH D009386, MONDO:0015356.

Submission:

Ambry Genetics
Classification: Uncertain significance for Hereditary cancer-predisposing syndrome. Last evaluated: 2024-04-03. Review status: criteria provided, single submitter. Criteria: Ambry Variant Classification Scheme 2023. Collection method: clinical testing. Allele origin: germline.
Comment: The p.I86M variant (also known as c.258A>G), located in coding exon 3 of the BMPR1A gene, results from an A to G substitution at nucleotide position 258. The isoleucine at codon 86 is replaced by methionine, an amino acid with highly similar properties. This amino acid position is conserved. In addition, the in silico prediction for this alteration is inconclusive. Based on the available evidence, the clinical significance of this variant remains unclear.